The following is an entry in ClinVar:

ClinVar aggregate classification (germline): Uncertain significance (1 of 4 stars; one submission).

Allele frequency attached by ClinVar (database versions not stated): gnomAD exomes 0.00002; TOPMed below 0.00001; ExAC 0.00001; gnomAD 0.00001.
gnomAD v4.1: 37 of 1,612,036 alleles (0.0023%); highest among the groups gnomAD compares: Non-Finnish European, 0.0026%; no homozygotes.

Submission:

Labcorp Genetics (formerly Invitae), Labcorp
Classification: Uncertain significance. Last evaluated: 2023-07-22. Review status: criteria provided, single submitter. Criteria: Invitae Variant Classification Sherloc (09022015). Collection method: clinical testing. Allele origin: germline.
Comment: This sequence change replaces proline, which is neutral and non-polar, with leucine, which is neutral and non-polar, at codon 242 of the ADGRA3 protein (p.Pro242Leu). This variant is present in population databases (rs771512345, gnomAD 0.004%). This variant has not been reported in the literature in individuals affected with ADGRA3-related conditions. An algorithm developed to predict the effect of missense changes on protein structure and function (PolyPhen-2) suggests that this variant is likely to be disruptive. In summary, the available evidence is currently insufficient to determine the role of this variant in disease. Therefore, it has been classified as a Variant of Uncertain Significance.

NM_145290.4(ADGRA3):c.725C>T (p.Pro242Leu)

Gene: ADGRA3 (adhesion G protein-coupled receptor A3; minus strand). Cytogenetic location: 4p15.2.
Variant type: single nucleotide variant.
Coding change: c.725C>T on transcript NM_145290.4 (MANE Select); coding-DNA position 725, C replaced by T.
Protein change: p.Pro242Leu; replaces proline 242 with leucine.
Molecular consequence: missense variant.
Genome position (GRCh38, 1-based): chr4:22,442,845, G>A on the plus strand (C>T on the coding strand, the complement: ADGRA3 is on the minus strand). VCF-style: chr4-22442845-G-A. GRCh37 (hg19) VCF-style: chr4-22444468-G-A.
Other names: short protein forms P242L.
Identifiers: ClinVar variation 2882175 (VCV002882175.3), dbSNP rs771512345, ClinGen allele CA2874145.
Genomic context (GRCh38, chr4:22,442,845, plus strand): 5'-AAAGGAAGGCTGTCTCCTTCAAACACAACTTGGCGATGAGATGGAGTCATGTAGAAAGAC[G>A]GCAATTCAAGCGGAGGGTCTAGAGACAATCAAACAAAGATTCAGTAAACAAATATAATTT-3'
Protein context (NP_660333.2, residues 232-252): LLTCDPPLEL[Pro242Leu]SFYMTPSHRQ